The following is an entry in ClinVar:

NM_001194.4(HCN2):c.1198G>T (p.Val400Leu)

Gene: HCN2 (hyperpolarization activated cyclic nucleotide gated potassium and sodium channel 2; plus strand). Cytogenetic location: 19p13.3.
Variant type: single nucleotide variant.
Coding change: c.1198G>T on transcript NM_001194.4 (MANE Select); coding-DNA position 1198, G replaced by T.
Protein change: p.Val400Leu; replaces valine 400 with leucine.
Molecular consequence: missense variant.
Genome position (GRCh38, 1-based): chr19:605,202, G>T. VCF-style: chr19-605202-G-T. GRCh37 (hg19) VCF-style: chr19-605202-G-T.
Other names: short protein forms V400L.
Identifiers: ClinVar variation 5009846 (VCV005009846.1).
Genomic context (GRCh38, chr19:605,202, plus strand): 5'-TGGGACGGCTGCCTGCAGTTCCTGGTGCCTATGCTGCAGGACTTCCCGCGCAACTGCTGG[G>T]TGTCCATCAATGGCATGGTGGTGAGCGCCGCGGGCCCTGACGGAGGGGGAGACGCAGGCT-3'
Protein context (NP_001185.3, residues 390-410): MLQDFPRNCW[Val400Leu]SINGMVNHSW

ClinVar aggregate classification (germline): Uncertain significance (1 of 4 stars; one submission).

Submission:

GeneDx
Classification: Uncertain significance. Last evaluated: 2026-02-27. Review status: criteria provided, single submitter. Criteria: GeneDx Variant Classification Process June 2021. Collection method: clinical testing. Allele origin: germline.
Comment: Not observed at significant frequency in large population cohorts (gnomAD); In silico analysis supports that this missense variant has a deleterious effect on protein structure/function; Has not been previously published as pathogenic or benign to our knowledge